The following is an entry in ClinVar:

ClinVar aggregate classification (germline): Likely benign. Review status: criteria provided, single submitter (1 of 4 stars). 2 submissions from 2 submitters: Likely benign (1). 1 of the submissions does not count toward it. Last evaluated 2024-09-02.

Conditions:
DNAH17-related disorder. Also called: DNAH17-related condition.

Allele frequency attached by ClinVar (database versions not stated): gnomAD exomes 0.00013; ExAC 0.00069; 1000 Genomes Project 0.00140; gnomAD 0.00140; ESP Exome Variant Server 0.00147; 1000 Genomes Project 30x 0.00156; TOPMed 0.00163.
gnomAD v4.1: 408 of 1,602,720 alleles (0.025%); highest among the groups gnomAD compares: African/African-American, 0.51%; 2 homozygotes.

Submissions (2):

Blueprint Genetics
Classification: Likely benign. Last evaluated: 2024-09-02. Review status: criteria provided, single submitter. Criteria: ACMG Guidelines, 2015. Collection method: clinical testing. Allele origin: germline.

PreventionGenetics, part of Exact Sciences
Classification: Likely benign for DNAH17-related condition. Last evaluated: 2019-04-01. Review status: no assertion criteria provided. Collection method: clinical testing. Allele origin: germline. Not counted in ClinVar's aggregate classification.
Comment: This variant is classified as likely benign based on ACMG/AMP sequence variant interpretation guidelines (Richards et al. 2015 PMID: 25741868, with internal and published modifications).

NM_173628.4(DNAH17):c.2967G>A (p.Arg989=)

Genes: DNAH17 (dynein axonemal heavy chain 17; minus strand), LOC126862656 (MED14-independent group 3 enhancer GRCh37_chr17:76528450-76529649; plus strand). Cytogenetic location: 17q25.3.
Variant type: single nucleotide variant.
Coding change: c.2967G>A on transcript NM_173628.4 (MANE Select); coding-DNA position 2967, G replaced by A.
Protein change: p.Arg989=; no amino-acid change (arginine 989 retained).
Molecular consequence: synonymous variant.
Genome position (GRCh38, 1-based): chr17:78,532,629, C>T on the plus strand (G>A on the coding strand, the complement: DNAH17 is on the minus strand). VCF-style: chr17-78532629-C-T. GRCh37 (hg19) VCF-style: chr17-76528711-C-T.
Identifiers: ClinVar variation 3035364 (VCV003035364.3), dbSNP rs61738719, ClinGen allele CA8804415.